The following is an entry in ClinVar:

NM_032737.4(LMNB2):c.1247G>T (p.Arg416Leu)

Gene: LMNB2 (lamin B2; minus strand). Cytogenetic location: 19p13.3.
Variant type: single nucleotide variant.
Coding change: c.1247G>T on transcript NM_032737.4 (MANE Select); coding-DNA position 1247, G replaced by T.
Protein change: p.Arg416Leu; replaces arginine 416 with leucine.
Molecular consequence: missense variant.
Genome position (GRCh38, 1-based): chr19:2,434,061, C>A on the plus strand (G>T on the coding strand, the complement: LMNB2 is on the minus strand). VCF-style: chr19-2434061-C-A. GRCh37 (hg19) VCF-style: chr19-2434059-C-A.
Other names: short protein forms R416L.
Identifiers: ClinVar variation 542441 (VCV000542441.21), dbSNP rs200293412, ClinGen allele CA9067557.

ClinVar aggregate classification (germline): Benign/Likely benign. Review status: criteria provided, multiple submitters, no conflicts (2 of 4 stars). 4 submissions from 4 submitters: Benign (2); Likely benign (1). 1 of the submissions does not count toward it. Last evaluated 2026-09-01.

Conditions:
Lipodystrophy, partial, acquired, susceptibility to (APLD). Also called: APLD, SUSCEPTIBILITY TO. Identifiers: MedGen C3887501, MONDO:0100476, OMIM 608709.
Progressive myoclonic epilepsy type 9. Identifiers: Orphanet 457265, MedGen C4225289, MONDO:0014685, OMIM 616540.
LMNB2-related disorder. Also called: LMNB2-related condition.

Allele frequency attached by ClinVar (database versions not stated): gnomAD 0.00025; 1000 Genomes Project 30x 0.00031; TOPMed 0.00058.
gnomAD v4.1: 408 of 1,598,960 alleles (0.026%); highest among the groups gnomAD compares: Admixed American, 0.7%; 6 homozygotes.

Submissions (4):

CeGaT Center for Human Genetics Tuebingen
Classification: Likely benign. Last evaluated: 2026-09-01. Review status: criteria provided, single submitter. Criteria: CeGaT Center For Human Genetics Tuebingen Variant Classification Criteria Version 2. Collection method: clinical testing. Allele origin: germline. Affected: yes. Observed: 3 variant alleles.
Comment: LMNB2: BP4, BS2

Labcorp Genetics (formerly Invitae), Labcorp
Classification: Benign for Progressive myoclonic epilepsy type 9; Lipodystrophy, partial, acquired, susceptibility to. Last evaluated: 2026-01-24. Review status: criteria provided, single submitter. Criteria: Invitae Variant Classification Sherloc (09022015). Collection method: clinical testing. Allele origin: germline.

Breakthrough Genomics
Classification: Benign. Review status: criteria provided, single submitter. Criteria: ACMG Guidelines, 2015. Collection method: not provided. Allele origin: germline. Inheritance: Autosomal recessive inheritance. Affected: yes.

PreventionGenetics, part of Exact Sciences
Classification: Benign for LMNB2-related condition. Last evaluated: 2021-01-20. Review status: no assertion criteria provided. Collection method: clinical testing. Allele origin: germline. Not counted in ClinVar's aggregate classification.
Comment: This variant is classified as benign based on ACMG/AMP sequence variant interpretation guidelines (Richards et al. 2015 PMID: 25741868, with internal and published modifications).